The following is an entry in ClinVar:

NM_001009944.3(PKD1):c.7061A>G (p.Gln2354Arg)

Gene: PKD1 (polycystin 1, transient receptor potential channel interacting; minus strand). Cytogenetic location: 16p13.3.
Variant type: single nucleotide variant.
Coding change: c.7061A>G on transcript NM_001009944.3 (MANE Select); coding-DNA position 7061, A replaced by G.
Protein change: p.Gln2354Arg; replaces glutamine 2354 with arginine.
Molecular consequence: missense variant.
Genome position (GRCh38, 1-based): chr16:2,107,887, T>C on the plus strand (A>G on the coding strand, the complement: PKD1 is on the minus strand). VCF-style: chr16-2107887-T-C. GRCh37 (hg19) VCF-style: chr16-2157888-T-C.
Other names: c.7061A>G, p.Gln2354Arg (NM_000296.4); short protein forms Q2354R.
Identifiers: ClinVar variation 3057467 (VCV003057467.3), dbSNP rs2092400132, ClinGen allele CA394372320.

ClinVar aggregate classification (germline): Uncertain significance. Review status: criteria provided, single submitter (1 of 4 stars). 2 submissions from 2 submitters: Uncertain significance (1). 1 of the submissions does not count toward it. Last evaluated 2025-04-21.

Conditions:
PKD1-related disorder. Also called: PKD1-related condition.
Polycystic kidney disease, adult type (PKD1). Also called: Polycystic Kidney, Autosomal Dominant; POLYCYSTIC KIDNEY DISEASE 1 WITH OR WITHOUT POLYCYSTIC LIVER DISEASE; Polycystic Kidney Disease 1, Autosomal Dominant; Polycystic kidney disease 1; Polycystic kidney disease 1, severe; POLYCYSTIC KIDNEY DISEASE, ADULT, TYPE I. Identifiers: MedGen C3149841, MONDO:0008263, OMIM 173900.

gnomAD v4.1: 1 of 1,543,980 alleles (0.000065%); no homozygotes.

Submissions (2):

3billion
Classification: Uncertain significance for Polycystic kidney disease, adult type. Last evaluated: 2025-04-21. Review status: criteria provided, single submitter. Criteria: ACMG Guidelines, 2015. Collection method: clinical testing. Allele origin: germline. Affected: yes.

PreventionGenetics, part of Exact Sciences
Classification: Uncertain significance for PKD1-related condition. Last evaluated: 2023-11-07. Review status: no assertion criteria provided. Collection method: clinical testing. Allele origin: germline. Not counted in ClinVar's aggregate classification.
Comment: The PKD1 c.7061A>G variant is predicted to result in the amino acid substitution p.Gln2354Arg. To our knowledge, this variant has not been reported in the literature or in a large population database, indicating this variant is rare. At this time, the clinical significance of this variant is uncertain due to the absence of conclusive functional and genetic evidence.